The following is an entry in ClinVar:

ClinVar aggregate classification (germline): Likely benign. Review status: criteria provided, multiple submitters, no conflicts (2 of 4 stars). 2 submissions from 2 submitters: Likely benign (2). Last evaluated 2025-10-20.

Conditions:
Inborn genetic diseases. Identifiers: MedGen C0950123, MeSH D030342.
Hyperphosphatasia with impaired intellectual development syndrome 2. Also called: Hyperphosphatasia with intellectual disability syndrome 2; GLYCOSYLPHOSPHATIDYLINOSITOL BIOSYNTHESIS DEFECT 6. Identifiers: Orphanet 247262, MedGen C3553637, MONDO:0013882, OMIM 614749.

Allele frequency attached by ClinVar (database versions not stated): gnomAD 0.00004 and 0.00003; 1000 Genomes Project 0.00020; gnomAD exomes 0.00008 and 0.00004; TOPMed 0.00006; ExAC 0.00007; 1000 Genomes Project 30x 0.00016.
gnomAD v4.1: 58 of 1,613,014 alleles (0.0036%); highest among the groups gnomAD compares: East Asian, 0.11%; no homozygotes.

Submissions (2):

Labcorp Genetics (formerly Invitae), Labcorp
Classification: Likely benign for Hyperphosphatasia with impaired intellectual development syndrome 2. Last evaluated: 2025-10-20. Review status: criteria provided, single submitter. Criteria: Invitae Variant Classification Sherloc (09022015). Collection method: clinical testing. Allele origin: germline.

Ambry Genetics
Classification: Likely benign for Inborn genetic diseases. Last evaluated: 2021-07-06. Review status: criteria provided, single submitter. Criteria: Ambry Variant Classification Scheme 2023. Collection method: clinical testing. Allele origin: germline.

NM_032634.4(PIGO):c.2092G>A (p.Glu698Lys)

Gene: PIGO (phosphatidylinositol glycan anchor biosynthesis class O; minus strand). Cytogenetic location: 9p13.3.
Variant type: single nucleotide variant.
Coding change: c.2092G>A on transcript NM_032634.4 (MANE Select); coding-DNA position 2092, G replaced by A.
Protein change: p.Glu698Lys; replaces glutamic acid 698 with lysine.
Molecular consequence: missense variant. On other transcripts: intron variant (2).
Genome position (GRCh38, 1-based): chr9:35,091,795, C>T on the plus strand (G>A on the coding strand, the complement: PIGO is on the minus strand). VCF-style: chr9-35091795-C-T. GRCh37 (hg19) VCF-style: chr9-35091792-C-T.
Other names: c.1345-504G>A (NM_152850.4, NM_001201484.2); short protein forms E698K.
Identifiers: ClinVar variation 585062 (VCV000585062.9), dbSNP rs571768342, ClinGen allele CA5040501.